The following is an entry in ClinVar:

NM_004252.5(NHERF1):c.259dup (p.Arg87fs)

Genes: NHERF1 (NHERF family PDZ scaffold protein 1; plus strand), SLC9A3R1-AS1 (SLC9A3R1 antisense RNA 1; minus strand). Cytogenetic location: 17q25.1.
Variant type: Duplication.
Coding change: c.259dup on transcript NM_004252.5 (MANE Select); coding-DNA position 259, one base duplicated (C; older notation c.259dupC).
Protein change: p.Arg87fs; shifts the reading frame from arginine 87.
Molecular consequence: frameshift variant. On other transcripts: non-coding transcript variant (1).
Genome position (GRCh38, 1-based): chr17:74,749,105, C duplicated. VCF-style (leftmost placement, unchanged base first): chr17-74749104-G-GC. GRCh37 (hg19) VCF-style: chr17-72745243-G-GC.
Other names: short protein forms R87fs.
Identifiers: ClinVar variation 2786775 (VCV002786775.3), dbSNP rs779153548, ClinGen allele CA8750567.

ClinVar aggregate classification (germline): Uncertain significance (1 of 4 stars; one submission).

Allele frequency attached by ClinVar (database versions not stated): gnomAD 0.00001; ExAC 0.00003; TOPMed below 0.00001; gnomAD exomes 0.00001.

Submission:

Labcorp Genetics (formerly Invitae), Labcorp
Classification: Uncertain significance. Last evaluated: 2025-05-27. Review status: criteria provided, single submitter. Criteria: Invitae Variant Classification Sherloc (09022015). Collection method: clinical testing. Allele origin: germline.
Comment: This sequence change creates a premature translational stop signal (p.Arg87Profs*50) in the SLC9A3R1 gene. It is expected to result in an absent or disrupted protein product. However, the current clinical and genetic evidence is not sufficient to establish whether loss-of-function variants in SLC9A3R1 cause disease. This variant is present in population databases (rs779153548, gnomAD 0.007%). This variant has not been reported in the literature in individuals affected with SLC9A3R1-related conditions. ClinVar contains an entry for this variant (Variation ID: 2786775). In summary, the available evidence is currently insufficient to determine the role of this variant in disease. Therefore, it has been classified as a Variant of Uncertain Significance.